The following is an entry in ClinVar:

ClinVar aggregate classification (germline): Benign/Likely benign. Review status: criteria provided, multiple submitters, no conflicts (2 of 4 stars). 7 submissions from 7 submitters: Benign (6); Likely benign (1). Last evaluated 2026-02-02.

Conditions:
Connective tissue disorder. Also called: Connective tissue disease. Identifiers: MedGen C0009782, MONDO:0003900.
Asphyxiating thoracic dystrophy 2 (SRTD2). Also called: SHORT-RIB THORACIC DYSPLASIA 2 WITHOUT POLYDACTYLY; SHORT-RIB THORACIC DYSPLASIA 2 WITH OR WITHOUT POLYDACTYLY; SHORT-RIB THORACIC DYSPLASIA 2 WITH POLYDACTYLY. Identifiers: Orphanet 474, MedGen C1970005, MONDO:0012644, OMIM 611263.
Jeune thoracic dystrophy. Also called: Jeune syndrome; Infantile thoracic dystrophy; Thoracic pelvic phalangeal dystrophy; Jeune's syndrome; Chondroectodermal dysplasia-like syndrome; Short-rib thoracic dysplasia. Identifiers: Orphanet 474, MedGen C0265275, MONDO:0018770.

Allele frequency attached by ClinVar (database versions not stated): gnomAD exomes 0.01653 and 0.01905; ExAC 0.01708; 1000 Genomes Project 0.02216; gnomAD 0.02297 and 0.02371; 1000 Genomes Project 30x 0.02358; ESP Exome Variant Server 0.02530; TOPMed 0.02580.
gnomAD v4.1: 31,304 of 1,610,788 alleles (1.9%); highest among the groups gnomAD compares: Middle Eastern, 4.4%; 404 homozygotes.

Submissions (7):

Labcorp Genetics (formerly Invitae), Labcorp
Classification: Benign for Jeune thoracic dystrophy. Last evaluated: 2026-02-02. Review status: criteria provided, single submitter. Criteria: Invitae Variant Classification Sherloc (09022015). Collection method: clinical testing. Allele origin: germline.

ARUP Laboratories, Molecular Genetics and Genomics, ARUP Laboratories
Classification: Benign for Asphyxiating thoracic dystrophy 2. Last evaluated: 2025-06-13. Review status: criteria provided, single submitter. Criteria: ARUP Molecular Germline Variant Investigation Process 2024. Collection method: clinical testing. Allele origin: germline.

Mayo Clinic Laboratories, Mayo Clinic
Classification: Benign. Last evaluated: 2025-02-11. Review status: criteria provided, single submitter. Criteria: ACMG Guidelines, 2015. Collection method: clinical testing. Allele origin: germline. Observed: 3 variant alleles.
Comment: BS1, BS2, BP4, BP7

Blueprint Genetics
Classification: Likely benign. Last evaluated: 2024-11-26. Review status: criteria provided, single submitter. Criteria: ACMG Guidelines, 2015. Collection method: clinical testing. Allele origin: germline.

Genome Diagnostics Laboratory, The Hospital for Sick Children
Classification: Benign for Connective tissue disorder. Last evaluated: 2022-05-12. Review status: criteria provided, single submitter. Criteria: ACMG Guidelines, 2015. Collection method: clinical testing. Allele origin: germline.

Illumina Laboratory Services, Illumina
Classification: Benign for Asphyxiating thoracic dystrophy 2. Last evaluated: 2018-01-13. Review status: criteria provided, single submitter. Criteria: ICSL Variant Classification Criteria 13 December 2019. Collection method: clinical testing. Allele origin: germline.
Comment: This variant was observed in the ICSL laboratory as part of a predisposition screen in an ostensibly healthy population. It had not been previously curated by ICSL or reported in the Human Gene Mutation Database (HGMD: prior to June 1st, 2018), and was therefore a candidate for classification through an automated scoring system. Utilizing variant allele frequency, disease prevalence and penetrance estimates, and inheritance mode, an automated score was calculated to assess if this variant is too frequent to cause the disease. Based on the score and internal cut-off values, a variant classified as benign is not then subjected to further curation. The score for this variant resulted in a classification of benign for this disease.

Breakthrough Genomics
Classification: Benign. Review status: criteria provided, single submitter. Criteria: ACMG Guidelines, 2015. Collection method: not provided. Allele origin: germline. Inheritance: Autosomal recessive inheritance. Affected: yes.

NM_020800.3(IFT80):c.462G>A (p.Ala154=)

Genes: IFT80 (intraflagellar transport 80; minus strand), TRIM59-IFT80 (TRIM59-IFT80 readthrough (NMD candidate); minus strand). Cytogenetic location: 3q25.33.
Variant type: single nucleotide variant.
Coding change: c.462G>A on transcript NM_020800.3 (MANE Select); coding-DNA position 462, G replaced by A.
Protein change: p.Ala154=; no amino-acid change (alanine 154 retained).
Molecular consequence: synonymous variant. On other transcripts: non-coding transcript variant (3).
Genome position (GRCh38, 1-based): chr3:160,366,130, C>T on the plus strand (G>A on the coding strand, the complement: IFT80 is on the minus strand). VCF-style: chr3-160366130-C-T. GRCh37 (hg19) VCF-style: chr3-160083918-C-T.
Other names: p.Ala154=; c.51G>A, p.Ala17= (NM_001190241.2, NM_001190242.2).
Identifiers: ClinVar variation 343980 (VCV000343980.33), dbSNP rs34182424, ClinGen allele CA2685467.
Genomic context (GRCh38, chr3:160,366,130, plus strand): 5'-AGGTTTAATGATTAGCTGCTTGCCTGCTGTATAAAGAACCTTTTCTGAATCAGGGCCCCA[C>T]GCTACTGAATACACTGGTGTTCCTGTAAGATGAAAAAAGAAAAAAAAAAGGCTGATAAAC-3'
Protein context (NP_065851.1, residues 144-164): AQQGTPVYSV[Ala154=]WGPDSEKVLY